The following is an entry in ClinVar:

ClinVar aggregate classification (germline): Uncertain significance. Review status: criteria provided, multiple submitters, no conflicts (2 of 4 stars). 2 submissions from 2 submitters: Uncertain significance (2). Last evaluated 2024-11-21.

Allele frequency attached by ClinVar (database versions not stated): gnomAD exomes 0.00001.
gnomAD v4.1: 8 of 1,614,164 alleles (0.0005%); highest among the groups gnomAD compares: Non-Finnish European, 0.00068%; no homozygotes.

Submissions (2):

Ambry Genetics
Classification: Uncertain significance. Last evaluated: 2024-11-21. Review status: criteria provided, single submitter. Criteria: Ambry Variant Classification Scheme 2023. Collection method: clinical testing. Allele origin: germline.
Comment: The p.I642L variant (also known as c.1924A>T), located in coding exon 19 of the SRP72 gene, results from an A to T substitution at nucleotide position 1924. The isoleucine at codon 642 is replaced by leucine, an amino acid with highly similar properties. This amino acid position is conserved. In addition, this alteration is predicted to be tolerated by in silico analysis. Based on the available evidence, the clinical significance of this variant remains unclear.

Labcorp Genetics (formerly Invitae), Labcorp
Classification: Uncertain significance. Last evaluated: 2023-05-16. Review status: criteria provided, single submitter. Criteria: Invitae Variant Classification Sherloc (09022015). Collection method: clinical testing. Allele origin: germline.
Comment: This variant has not been reported in the literature in individuals affected with SRP72-related conditions. This variant is not present in population databases (gnomAD no frequency). This sequence change replaces isoleucine, which is neutral and non-polar, with leucine, which is neutral and non-polar, at codon 642 of the SRP72 protein (p.Ile642Leu). In summary, the available evidence is currently insufficient to determine the role of this variant in disease. Therefore, it has been classified as a Variant of Uncertain Significance. An algorithm developed to predict the effect of missense changes on protein structure and function (PolyPhen-2) suggests that this variant is likely to be tolerated.

NM_006947.4(SRP72):c.1924A>T (p.Ile642Leu)

Gene: SRP72 (signal recognition particle 72; plus strand). Cytogenetic location: 4q12.
Variant type: single nucleotide variant.
Coding change: c.1924A>T on transcript NM_006947.4 (MANE Select); coding-DNA position 1924, A replaced by T.
Protein change: p.Ile642Leu; replaces isoleucine 642 with leucine.
Molecular consequence: missense variant. On other transcripts: non-coding transcript variant (1).
Genome position (GRCh38, 1-based): chr4:56,501,769, A>T. VCF-style: chr4-56501769-A-T. GRCh37 (hg19) VCF-style: chr4-57367935-A-T.
Other names: c.1924A>T (NM_006947.3); c.1741A>T, p.Ile581Leu (NM_001267722.2); short protein forms I642L, I581L.
Identifiers: ClinVar variation 3006104 (VCV003006104.4), dbSNP rs778759548, ClinGen allele CA97617905.